The following is an entry in ClinVar:

ClinVar aggregate classification (germline): Pathogenic (1 of 4 stars; one submission).

Conditions:
Deficiency of alpha-mannosidase (MANSA). Also called: LYSOSOMAL ALPHA-D-MANNOSIDASE DEFICIENCY; Alpha-Mannosidosis; Mannosidosis, alpha-, types I and II. Identifiers: Orphanet 61, MedGen C0024748, MONDO:0009561, OMIM 248500.

Submission:

Myriad Genetics, Inc.
Classification: Pathogenic for Deficiency of alpha-mannosidase. Last evaluated: 2025-06-06. Review status: criteria provided, single submitter. Criteria: Myriad Autosomal Dominant, Autosomal Recessive and X-Linked Classification Criteria (2023). Collection method: clinical testing. Allele origin: unknown.
Comment: NM_000528.3(MAN2B1):c.1756delT(W586Gfs*20) is expected to be pathogenic in the context of alpha-mannosidosis. This variant is predicted to lead to an abnormal or absent protein product due to the creation of a premature termination codon in MAN2B1, a gene where loss-of-function variants are known to be pathogenic. Please note: this variant was assessed in the context of healthy population screening.

NM_000528.4(MAN2B1):c.1756del (p.Trp586fs)

Gene: MAN2B1 (mannosidase alpha class 2B member 1; minus strand). Cytogenetic location: 19p13.13.
Variant type: Deletion.
Coding change: c.1756del on transcript NM_000528.4 (MANE Select); coding-DNA position 1756, one base deleted (T; older notation c.1756delT).
Protein change: p.Trp586fs; shifts the reading frame from tryptophan 586.
Molecular consequence: frameshift variant.
Genome position (GRCh38, 1-based): chr19:12,655,768, A deleted on the plus strand (T on the coding strand, the reverse complement: MAN2B1 is on the minus strand). VCF-style (leftmost placement, unchanged base first): chr19-12655767-CA-C. GRCh37 (hg19) VCF-style: chr19-12766581-CA-C.
Other names: c.1753del, p.Trp585fs (NM_001173498.2); c.1759del, p.Trp587fs (NM_001440570.1); short protein forms W585fs, W586fs, W587fs.
Identifiers: ClinVar variation 5014562 (VCV005014562.1).